The following is an entry in ClinVar:

ClinVar aggregate classification (germline): Uncertain significance (1 of 4 stars; one submission).

Conditions:
Facioscapulohumeral muscular dystrophy 2 (FSHD2). Also called: MUSCULAR DYSTROPHY, FACIOSCAPULOHUMERAL, TYPE 1B; FACIOSCAPULOHUMERAL MUSCULAR DYSTROPHY 2, DIGENIC; FSHD2, DIGENIC. Identifiers: Orphanet 269, MedGen C1834671, MONDO:0008031, OMIM 158901.

Submission:

Labcorp Genetics (formerly Invitae), Labcorp
Classification: Uncertain significance for Facioscapulohumeral muscular dystrophy 2. Last evaluated: 2022-03-18. Review status: criteria provided, single submitter. Criteria: Invitae Variant Classification Sherloc (09022015). Collection method: clinical testing. Allele origin: germline.
Comment: In summary, the available evidence is currently insufficient to determine the role of this variant in disease. Therefore, it has been classified as a Variant of Uncertain Significance. Experimental studies and prediction algorithms are not available or were not evaluated, and the functional significance of this variant is currently unknown. This variant has not been reported in the literature in individuals affected with SMCHD1-related conditions. This variant is present in population databases (rs766432458, gnomAD 0.006%). This variant, c.3774_3776del, results in the deletion of 1 amino acid(s) of the SMCHD1 protein (p.Leu1259del), but otherwise preserves the integrity of the reading frame.

NM_015295.3(SMCHD1):c.3774_3776del (p.Leu1259del)

Gene: SMCHD1 (structural maintenance of chromosomes flexible hinge domain containing 1; plus strand). Cytogenetic location: 18p11.32.
Variant type: Deletion.
Coding change: c.3774_3776del on transcript NM_015295.3 (MANE Select); coding-DNA positions 3774 to 3776, 3 bases deleted (CCT; older notation c.3774_3776delCCT).
Protein change: p.Leu1259del; deletes leucine 1259.
Molecular consequence: inframe deletion.
Genome position (GRCh38, 1-based): chr18:2,743,901-2,743,903, CCT deleted; deleting any 3 consecutive bases within chr18:2,743,899-2,743,903 gives the same sequence; the c. name uses the placement nearest the transcript's 3' end. VCF-style (leftmost placement, unchanged base first): chr18-2743898-TCTC-T. GRCh37 (hg19) VCF-style: chr18-2743896-TCTC-T.
Other names: short protein forms L1259del.
Identifiers: ClinVar variation 1355103 (VCV001355103.8), dbSNP rs766432458, ClinGen allele CA8871293.